The following is an entry in ClinVar:

NM_000059.4(BRCA2):c.4655G>T (p.Gly1552Val)

Gene: BRCA2 (BRCA2 DNA repair associated; plus strand). Cytogenetic location: 13q13.1.
Variant type: single nucleotide variant.
Coding change: c.4655G>T on transcript NM_000059.4 (MANE Select); coding-DNA position 4655, G replaced by T.
Protein change: p.Gly1552Val; replaces glycine 1552 with valine.
Molecular consequence: missense variant.
Genome position (GRCh38, 1-based): chr13:32,339,010, G>T. VCF-style: chr13-32339010-G-T. GRCh37 (hg19) VCF-style: chr13-32913147-G-T.
Other names: short protein forms G1552V.
Identifiers: ClinVar variation 51689 (VCV000051689.23), dbSNP rs80358696, ClinGen allele CA020597.

ClinVar aggregate classification (germline): Conflicting classifications of pathogenicity. Review status: criteria provided, conflicting classifications (1 of 4 stars). 7 submissions from 7 submitters: Uncertain significance (5); Likely benign (1). 1 of the submissions does not count toward it. Last evaluated 2025-08-08.

Conditions:
Hereditary breast ovarian cancer syndrome. Also called: Hereditary breast and ovarian cancer syndrome; Hereditary breast and ovarian cancer; Hereditary breast and ovarian cancer syndrome (HBOC); Breast and ovarian cancer; Hereditary breast and/or ovarian cancer syndrome; BRCA1- and BRCA2-Associated Hereditary Breast and Ovarian Cancer. Identifiers: Orphanet 145, MedGen C0677776, MeSH D061325, MONDO:0003582. Disease mechanism: loss of function.
Breast-ovarian cancer, familial, susceptibility to, 2 (BROVCA2). Also called: BRCA2 Hereditary Breast and Ovarian Cancer. Identifiers: Orphanet 145, MedGen C2675520, MONDO:0012933, OMIM 612555. Disease mechanism: loss of function.
Hereditary cancer-predisposing syndrome. Also called: Neoplastic Syndromes, Hereditary; Tumor predisposition; Hereditary Cancer Syndrome; Hereditary neoplastic syndrome. Identifiers: Orphanet 140162, MedGen C0027672, MeSH D009386, MONDO:0015356.

gnomAD v4.1: 1 of 1,613,918 alleles (0.000062%); highest among the groups gnomAD compares: Non-Finnish European, 0.000085%; no homozygotes.

Submissions (7):

Ambry Genetics
Classification: Uncertain significance for Hereditary cancer-predisposing syndrome. Last evaluated: 2025-08-08. Review status: criteria provided, single submitter. Criteria: Ambry Variant Classification Scheme 2023. Collection method: clinical testing. Allele origin: germline.
Comment: The p.G1552V variant (also known as c.4655G>T), located in coding exon 10 of the BRCA2 gene, results from a G to T substitution at nucleotide position 4655. The glycine at codon 1552 is replaced by valine, an amino acid with dissimilar properties. This amino acid position is poorly conserved in available vertebrate species. In addition, this alteration is predicted to be tolerated by in silico analysis. Since supporting evidence is limited at this time, the clinical significance of this alteration remains unclear.

Labcorp Genetics (formerly Invitae), Labcorp
Classification: Uncertain significance for Hereditary breast ovarian cancer syndrome. Last evaluated: 2024-06-03. Review status: criteria provided, single submitter. Criteria: Invitae Variant Classification Sherloc (09022015). Collection method: clinical testing. Allele origin: germline.
Comment: This sequence change replaces glycine, which is neutral and non-polar, with valine, which is neutral and non-polar, at codon 1552 of the BRCA2 protein (p.Gly1552Val). This variant is not present in population databases (gnomAD no frequency). This missense change has been observed in individual(s) with clinical features of BRCA2-related conditions (PMID: 10923033). ClinVar contains an entry for this variant (Variation ID: 51689). Advanced modeling of protein sequence and biophysical properties (such as structural, functional, and spatial information, amino acid conservation, physicochemical variation, residue mobility, and thermodynamic stability) performed at Invitae indicates that this missense variant is not expected to disrupt BRCA2 protein function with a negative predictive value of 95%. In summary, the available evidence is currently insufficient to determine the role of this variant in disease. Therefore, it has been classified as a Variant of Uncertain Significance.

Quest Diagnostics Nichols Institute San Juan Capistrano
Classification: Uncertain significance. Last evaluated: 2023-09-21. Review status: criteria provided, single submitter. Criteria: Quest Diagnostics criteria. Collection method: clinical testing. Allele origin: unknown.
Comment: In the published literature, this variant has been reported to be located in a region of the BRCA2 gene that is tolerant to missense sequence changes (PMID: 31911673 (2020)). This variant has not been reported in large, multi-ethnic general populations (Genome Aggregation Database). Analysis of this variant using bioinformatics tools for the prediction of the effect of amino acid changes on protein structure and function yielded predictions that this variant is benign. Based on the available information, we are unable to determine the clinical significance of this variant.

University of Washington Department of Laboratory Medicine, University of Washington
Classification: Likely benign for Hereditary cancer-predisposing syndrome. Last evaluated: 2023-03-23. Review status: criteria provided, single submitter. Criteria: Dines et al. (Genet Med. 2020). Collection method: curation. Allele origin: germline.
Comment: Missense variant in a coldspot region where missense variants are very unlikely to be pathogenic (PMID:31911673).

BRCA2 exon 11 coldspot. Reclassification based on statistical prior probability.

GeneDx
Classification: Uncertain significance. Last evaluated: 2022-12-23. Review status: criteria provided, single submitter. Criteria: GeneDx Variant Classification Process June 2021. Collection method: clinical testing. Allele origin: germline. Affected: yes.
Comment: Not observed at significant frequency in large population cohorts (gnomAD); In silico analysis supports that this missense variant does not alter protein structure/function; Has not been previously published as pathogenic or benign to our knowledge; Also known as 4883C>T; This variant is associated with the following publications: (PMID: 29884841, 31131967, 32377563, 31911673)

Color Diagnostics, LLC DBA Color Health
Classification: Uncertain significance for Hereditary cancer-predisposing syndrome. Last evaluated: 2020-04-27. Review status: criteria provided, single submitter. Criteria: ACMG Guidelines, 2015. Collection method: clinical testing. Allele origin: germline.
Comment: This missense variant replaces glycine with valine at codon 1552 of the BRCA2 protein. Computational prediction suggests that this variant may not impact protein structure and function (internally defined REVEL score threshold <= 0.5, PMID: 27666373). To our knowledge, functional studies have not been reported for this variant. This variant has not been reported in individuals affected with hereditary cancer in the literature. This variant has not been identified in the general population by the Genome Aggregation Database (gnomAD). The available evidence is insufficient to determine the role of this variant in disease conclusively. Therefore, this variant is classified as a Variant of Uncertain Significance.

Breast Cancer Information Core (BIC) (BRCA2)
Classification: Uncertain significance for Breast-ovarian cancer, familial 2. Last evaluated: 2004-02-20. Review status: no assertion criteria provided. Collection method: clinical testing. Allele origin: germline. Affected: yes. Observed: 2 variant alleles. Not counted in ClinVar's aggregate classification.

Literature cited by the submitters: PubMed 10923033 (cited by Labcorp Genetics (formerly Invitae), Labcorp); PubMed 31911673 (cited by Quest Diagnostics Nichols Institute San Juan Capistrano).